The following is an entry in ClinVar:

ClinVar aggregate classification (germline): Pathogenic/Likely pathogenic. Review status: criteria provided, multiple submitters, no conflicts (2 of 4 stars). 2 submissions from 2 submitters: Pathogenic (1); Likely pathogenic (1). Last evaluated 2025-08-13.

Conditions:
Inborn genetic diseases. Identifiers: MedGen C0950123, MeSH D030342.
Intellectual developmental disorder with gastrointestinal difficulties and high pain threshold (JDVS). Also called: JANSEN-DE VRIES SYNDROME. Identifiers: Orphanet 653767, MedGen C4479517, MONDO:0044318, OMIM 617450.

Submissions (2):

Ambry Genetics
Classification: Pathogenic for Inborn genetic diseases. Last evaluated: 2025-08-13. Review status: criteria provided, single submitter. Criteria: Ambry Variant Classification Scheme 2023. Collection method: clinical testing. Allele origin: germline.
Comment: The c.1277delC (p.P426Hfs*5) alteration, located in exon 6 (coding exon 6) of the PPM1D gene, consists of a deletion of one nucleotide at position 1277, causing a translational frameshift with a predicted alternate stop codon after 5 amino acids. This alteration occurs at the 3' terminus of the PPM1D gene and is not expected to trigger nonsense-mediated mRNA decay. This variant was not reported in population-based cohorts in the Genome Aggregation Database (gnomAD). This variant is located in a region of the protein where truncating variants that escape nonsense mediated mRNA decay have been reported as disease-causing for Jansen-de Vries syndrome (Wojcik, 2023). Based on the available evidence, this alteration is classified as pathogenic.

Equipe Genetique des Anomalies du Developpement, Université de Bourgogne
Classification: Likely pathogenic for Intellectual developmental disorder with gastrointestinal difficulties and high pain threshold. Last evaluated: 2017-09-11. Review status: criteria provided, single submitter. Criteria: ACMG Guidelines, 2015. Collection method: clinical testing. Allele origin: de novo. Affected: yes. Study: Clinvar_gadteam_Clinical_exome_analysis_3.

Literature cited by the submitters: PubMed 37183572 (cited by Ambry Genetics).

NM_003620.4(PPM1D):c.1277del (p.Pro426fs)

Gene: PPM1D (protein phosphatase, Mg2+/Mn2+ dependent 1D; plus strand). Cytogenetic location: 17q23.2.
Variant type: Deletion.
Coding change: c.1277del on transcript NM_003620.4 (MANE Select); coding-DNA position 1277, one base deleted (C; older notation c.1277delC).
Protein change: p.Pro426fs; shifts the reading frame from proline 426.
Molecular consequence: frameshift variant.
Genome position (GRCh38, 1-based): chr17:60,663,011, C deleted; the last of 2 consecutive C bases (chr17:60,663,010-60,663,011); deleting either gives the same sequence. VCF-style (leftmost placement, unchanged base first): chr17-60663009-TC-T. GRCh37 (hg19) VCF-style: chr17-58740370-TC-T.
Other names: c.1277delC (NM_003620.3); c.1276delC (NM_003620.3); short protein forms P426fs.
Identifiers: ClinVar variation 559877 (VCV000559877.2), dbSNP rs1555649009, ClinGen allele CA658825040.
Genomic context (GRCh38, chr17:60,663,009, plus strand): 5'-TCTGGGATAAATTTTTTCTTATTTGTTTTACCTTCTTATTTTTCAGTCACTGGAGGAGGA[TC>T]CATGGCCAAGGGTGAATTCTAAGGACCATATACCTGCCCTGGTTCGTAGCAATGCCTTCT-3'